The following is an entry in ClinVar:

ClinVar aggregate classification (germline): Uncertain significance (1 of 4 stars; one submission).

gnomAD v4.1: 15 of 1,551,602 alleles (0.00097%); highest among the groups gnomAD compares: African/African-American, 0.014%; no homozygotes.

Submission:

Labcorp Genetics (formerly Invitae), Labcorp
Classification: Uncertain significance. Last evaluated: 2024-05-02. Review status: criteria provided, single submitter. Criteria: Invitae Variant Classification Sherloc (09022015). Collection method: clinical testing. Allele origin: germline.
Comment: This sequence change replaces phenylalanine, which is neutral and non-polar, with serine, which is neutral and polar, at codon 383 of the FAM65B protein (p.Phe383Ser). This variant is present in population databases (rs779101258, gnomAD 0.02%). This variant has not been reported in the literature in individuals affected with FAM65B-related conditions. An algorithm developed to predict the effect of missense changes on protein structure and function (PolyPhen-2) suggests that this variant is likely to be tolerated. In summary, the available evidence is currently insufficient to determine the role of this variant in disease. Therefore, it has been classified as a Variant of Uncertain Significance.

NM_001286445.3(RIPOR2):c.1164+404T>C

Gene: RIPOR2 (RHO family interacting cell polarization regulator 2; minus strand). Cytogenetic location: 6p22.3.
Variant type: single nucleotide variant.
Coding change: c.1164+404T>C on transcript NM_001286445.3 (MANE Select); 404 bases into the intron after coding-DNA position 1164, T replaced by C.
Molecular consequence: intron variant. On other transcripts: missense variant (1).
Genome position (GRCh38, 1-based): chr6:24,847,621, A>G on the plus strand (T>C on the coding strand, the complement: RIPOR2 is on the minus strand). VCF-style: chr6-24847621-A-G. GRCh37 (hg19) VCF-style: chr6-24847849-A-G.
Other names: c.1148T>C, p.Phe383Ser (NM_014722.5); c.1077+404T>C (NM_001346031.2, NM_001346032.2, NM_015864.5 and 1 more transcripts); c.1179+404T>C (NM_001286446.3); short protein forms F383S.
Identifiers: ClinVar variation 3603892 (VCV003603892.2).
Genomic context (GRCh38, chr6:24,847,621, plus strand): 5'-TTGGGACTCGGCCTGAGGGAGGGCAGGTCACTGAAGGAGCGGCTGCGGTGCAGCTTGGCA[A>G]AGAAAGTGTCTTGCAAGGCACTCAAGACAGACAGCCGCCTGGGCTTGTCTGGGGAAGGAT-3'